The following is an entry in ClinVar:

NM_000070.3(CAPN3):c.10G>A (p.Val4Ile)

Gene: CAPN3 (calpain 3; plus strand). Cytogenetic location: 15q15.1.
Variant type: single nucleotide variant.
Coding change: c.10G>A on transcript NM_000070.3 (MANE Select); coding-DNA position 10, G replaced by A.
Protein change: p.Val4Ile; replaces valine 4 with isoleucine.
Molecular consequence: missense variant.
Genome position (GRCh38, 1-based): chr15:42,359,815, G>A. VCF-style: chr15-42359815-G-A. GRCh37 (hg19) VCF-style: chr15-42652013-G-A.
Other names: c.10G>A, p.Val4Ile (NM_024344.2, NM_173087.2); short protein forms V4I.
Identifiers: ClinVar variation 468640 (VCV000468640.19), dbSNP rs140660066, ClinGen allele CA7510831.

ClinVar aggregate classification (germline): Uncertain significance. Review status: criteria provided, multiple submitters, no conflicts (2 of 4 stars). 8 submissions from 8 submitters: Uncertain significance (7). 1 of the submissions does not count toward it. Last evaluated 2026-01-22.

Conditions:
Autosomal recessive limb-girdle muscular dystrophy type 2A (LGMDR1). Also called: LEYDEN-MOEBIUS MUSCULAR DYSTROPHY; MUSCULAR DYSTROPHY, PELVOFEMORAL; Limb-girdle muscular dystrophy, type 2A; Calpainopathy; Muscular dystrophy, limb-girdle, type 2A, Amish. Identifiers: Orphanet 267, MedGen C1869123, MONDO:0009675, OMIM 253600. Disease mechanism: loss of function.
Muscular dystrophy, limb-girdle, autosomal dominant 4. Also called: Calpain-3-related limb-girdle muscular dystrophy D4; MUSCULAR DYSTROPHY, LIMB-GIRDLE, TYPE 1I. Identifiers: Orphanet 565909, MedGen C4748295, MONDO:0029133, OMIM 618129.

Allele frequency attached by ClinVar (database versions not stated): gnomAD 0.00007; TOPMed 0.00009; gnomAD exomes 0.00016; ExAC 0.00017; ESP Exome Variant Server 0.00031.

Submissions (8):

Labcorp Genetics (formerly Invitae), Labcorp
Classification: Uncertain significance for Autosomal recessive limb-girdle muscular dystrophy type 2A. Last evaluated: 2026-01-22. Review status: criteria provided, single submitter. Criteria: Invitae Variant Classification Sherloc (09022015). Collection method: clinical testing. Allele origin: germline.
Comment: This sequence change replaces valine, which is neutral and non-polar, with isoleucine, which is neutral and non-polar, at codon 4 of the CAPN3 protein (p.Val4Ile). This variant is present in population databases (rs140660066, gnomAD 0.04%). This missense change has been observed in individual(s) with autosomal recessive limb girdle muscular dystrophy, type 2A (PMID: 10330340). ClinVar contains an entry for this variant (Variation ID: 468640). Invitae Evidence Modeling of protein sequence and biophysical properties (such as structural, functional, and spatial information, amino acid conservation, physicochemical variation, residue mobility, and thermodynamic stability) has been performed for this missense variant. However, the output from this modeling did not meet the statistical confidence thresholds required to predict the impact of this variant on CAPN3 protein function. In summary, the available evidence is currently insufficient to determine the role of this variant in disease. Therefore, it has been classified as a Variant of Uncertain Significance.

Blueprint Genetics
Classification: Uncertain significance. Last evaluated: 2024-08-16. Review status: criteria provided, single submitter. Criteria: ACMG Guidelines, 2015. Collection method: clinical testing. Allele origin: germline.

Women's Health and Genetics/Laboratory Corporation of America, LabCorp
Classification: Uncertain significance. Last evaluated: 2024-08-07. Review status: criteria provided, single submitter. Criteria: LabCorp Variant Classification Summary - May 2015. Collection method: clinical testing. Allele origin: germline.
Comment: Variant summary: CAPN3 c.10G>A (p.Val4Ile) results in a conservative amino acid change in the encoded protein sequence. Three of five in-silico tools predict a benign effect of the variant on protein function. The variant allele was found at a frequency of 0.00016 in 250370 control chromosomes. This frequency is not significantly higher than estimated for a pathogenic variant in CAPN3 causing Limb-Girdle Muscular Dystrophy, Autosomal Recessive (0.00016 vs 0.0032), allowing no conclusion about variant significance. c.10G>A has been reported in the literature in individuals affected with Limb-Girdle Muscular Dystrophy, Autosomal Recessive (e.g., Richard_1999, Saenz_2005, Nallamilli_2018, DiFruscio_2016), however without strong evidence for causality. These report(s) do not provide unequivocal conclusions about association of the variant with Limb-Girdle Muscular Dystrophy, Autosomal Recessive. To our knowledge, no experimental evidence demonstrating an impact on protein function has been reported. The following publications have been ascertained in the context of this evaluation (PMID: 25898921, 10330340, 15689361, 30564623). ClinVar contains an entry for this variant (Variation ID: 468640). Based on the evidence outlined above, the variant was classified as uncertain significance.

Athena Diagnostics
Classification: Uncertain significance. Last evaluated: 2024-06-27. Review status: criteria provided, single submitter. Criteria: Athena Diagnostics Criteria. Collection method: clinical testing. Allele origin: unknown.
Comment: Available data are insufficient to determine the clinical significance of the variant at this time. The frequency of this variant in the general population is uninformative in assessment of its pathogenicity. Polyphen and MutationTaster yielded discordant predictions regarding whether this amino acid change is damaging to the protein.

Fulgent Genetics
Classification: Uncertain significance for Autosomal recessive limb-girdle muscular dystrophy type 2A; Muscular dystrophy, limb-girdle, autosomal dominant 4. Last evaluated: 2022-03-09. Review status: criteria provided, single submitter. Criteria: ACMG Guidelines, 2015. Collection method: clinical testing. Allele origin: unknown.

Revvity Omics, Revvity
Classification: Uncertain significance. Last evaluated: 2019-10-14. Review status: criteria provided, single submitter. Criteria: ACMG Guidelines, 2015. Collection method: clinical testing. Allele origin: germline.

Eurofins Ntd Llc (ga)
Classification: Uncertain significance. Last evaluated: 2017-04-20. Review status: criteria provided, single submitter. Criteria: EGL Classification Definitions 2015. Collection method: clinical testing. Allele origin: germline. Observed: 1 variant allele, 1 heterozygote.

Natera, Inc.
Classification: Uncertain significance for Limb-girdle muscular dystrophy type 2A. Last evaluated: 2020-02-21. Review status: no assertion criteria provided. Collection method: clinical testing. Allele origin: germline. Not counted in ClinVar's aggregate classification.

Literature cited by the submitters: PubMed 10330340 (cited by 3 submitters); PubMed 30564623 (cited by Women's Health and Genetics/Laboratory Corporation of America, LabCorp); PubMed 25898921 (cited by Women's Health and Genetics/Laboratory Corporation of America, LabCorp and Athena Diagnostics); PubMed 15689361 (cited by Women's Health and Genetics/Laboratory Corporation of America, LabCorp); PubMed 26206375 (cited by Athena Diagnostics).